The following is an entry in ClinVar:

NM_001430.5(EPAS1):c.1266G>C (p.Glu422Asp)

Gene: EPAS1 (endothelial PAS domain protein 1; plus strand). Cytogenetic location: 2p21.
Variant type: single nucleotide variant.
Coding change: c.1266G>C on transcript NM_001430.5 (MANE Select); coding-DNA position 1266, G replaced by C.
Protein change: p.Glu422Asp; replaces glutamic acid 422 with aspartic acid.
Molecular consequence: missense variant.
Genome position (GRCh38, 1-based): chr2:46,377,910, G>C. VCF-style: chr2-46377910-G-C. GRCh37 (hg19) VCF-style: chr2-46605049-G-C.
Other names: short protein forms E422D.
Identifiers: ClinVar variation 1764295 (VCV001764295.2), dbSNP rs916528817, ClinGen allele CA46563761.

ClinVar aggregate classification (germline): Uncertain significance (1 of 4 stars; one submission).

Conditions:
Inborn genetic diseases. Identifiers: MedGen C0950123, MeSH D030342.

Allele frequency attached by ClinVar (database versions not stated): gnomAD exomes below 0.00001; gnomAD 0.00003; TOPMed 0.00003.
gnomAD v4.1: 7 of 1,552,904 alleles (0.00045%); highest among the groups gnomAD compares: African/African-American, 0.0096%; no homozygotes.

Submission:

Ambry Genetics
Classification: Uncertain significance for Inborn genetic diseases. Last evaluated: 2024-02-28. Review status: criteria provided, single submitter. Criteria: Ambry Variant Classification Scheme 2023. Collection method: clinical testing. Allele origin: germline.
Comment: The p.E422D variant (also known as c.1266G>C), located in coding exon 10 of the EPAS1 gene, results from a G to C substitution at nucleotide position 1266. The glutamic acid at codon 422 is replaced by aspartic acid, an amino acid with highly similar properties. This amino acid position is conserved. In addition, this alteration is predicted to be tolerated by in silico analysis. Since supporting evidence is limited at this time, the clinical significance of this alteration remains unclear.